The following is an entry in ClinVar:

ClinVar aggregate classification (germline): Conflicting classifications of pathogenicity. Review status: criteria provided, conflicting classifications (1 of 4 stars). 2 submissions from 2 submitters: Uncertain significance (1); Likely benign (1). Last evaluated 2024-05-21.

Conditions:
Catecholaminergic polymorphic ventricular tachycardia 1. Also called: VENTRICULAR TACHYCARDIA, CATECHOLAMINERGIC POLYMORPHIC, 1, WITH OR WITHOUT ATRIAL DYSFUNCTION AND/OR DILATED CARDIOMYOPATHY; RYR2-Related Catecholaminergic Polymorphic Ventricular Tachycardia; VENTRICULAR TACHYCARDIA, STRESS-INDUCED POLYMORPHIC 1. Identifiers: Orphanet 3286, MedGen C1631597, MONDO:0011484, OMIM 604772.
Cardiovascular phenotype. Identifiers: MedGen CN230736.

Submissions (2):

Labcorp Genetics (formerly Invitae), Labcorp
Classification: Uncertain significance for Catecholaminergic polymorphic ventricular tachycardia 1. Last evaluated: 2024-05-21. Review status: criteria provided, single submitter. Criteria: Invitae Variant Classification Sherloc (09022015). Collection method: clinical testing. Allele origin: germline.
Comment: This sequence change affects codon 3748 of the RYR2 mRNA. It is a 'silent' change, meaning that it does not change the encoded amino acid sequence of the RYR2 protein. It affects a nucleotide within the consensus splice site. This variant is not present in population databases (gnomAD no frequency). This variant has not been reported in the literature in individuals affected with RYR2-related conditions. ClinVar contains an entry for this variant (Variation ID: 1798564). Algorithms developed to predict the effect of sequence changes on RNA splicing suggest that this variant is not likely to affect RNA splicing. In summary, the available evidence is currently insufficient to determine the role of this variant in disease. Therefore, it has been classified as a Variant of Uncertain Significance.

Ambry Genetics
Classification: Likely benign for Cardiovascular phenotype. Last evaluated: 2022-07-27. Review status: criteria provided, single submitter. Criteria: Ambry Variant Classification Scheme 2023. Collection method: clinical testing. Allele origin: germline.

NM_001035.3(RYR2):c.11244A>G (p.Lys3748=)

Gene: RYR2 (ryanodine receptor 2; plus strand). Cytogenetic location: 1q43.
Variant type: single nucleotide variant.
Coding change: c.11244A>G on transcript NM_001035.3 (MANE Select); coding-DNA position 11244, A replaced by G.
Protein change: p.Lys3748=; no amino-acid change (lysine 3748 retained).
Molecular consequence: synonymous variant.
Genome position (GRCh38, 1-based): chr1:237,756,386, A>G. VCF-style: chr1-237756386-A-G. GRCh37 (hg19) VCF-style: chr1-237919686-A-G.
Identifiers: ClinVar variation 1798564 (VCV001798564.4), dbSNP rs2527395336, ClinGen allele CA423821862.